The following is an entry in ClinVar:

ClinVar aggregate classification (germline): Likely benign (0 of 4 stars; one submission).

Conditions:
PEX5-related disorder. Also called: PEX5-related condition; PEX5-Related Disorders.

Allele frequency attached by ClinVar (database versions not stated): gnomAD exomes 0.00001; ExAC 0.00002.
gnomAD v4.1: 13 of 1,614,224 alleles (0.00081%); highest among the groups gnomAD compares: South Asian, 0.0066%; no homozygotes.

Submission:

PreventionGenetics, part of Exact Sciences
Classification: Likely benign for PEX5-related condition. Last evaluated: 2022-04-12. Review status: no assertion criteria provided. Collection method: clinical testing. Allele origin: germline.
Comment: This variant is classified as likely benign based on ACMG/AMP sequence variant interpretation guidelines (Richards et al. 2015 PMID: 25741868, with internal and published modifications).

NM_001351132.2(PEX5):c.18G>A (p.Leu6=)

Gene: PEX5 (peroxisomal biogenesis factor 5; plus strand). Cytogenetic location: 12p13.31.
Variant type: single nucleotide variant.
Coding change: c.18G>A on transcript NM_001351132.2 (MANE Select); coding-DNA position 18, G replaced by A.
Protein change: p.Leu6=; no amino-acid change (leucine 6 retained).
Molecular consequence: synonymous variant.
Genome position (GRCh38, 1-based): chr12:7,190,395, G>A. VCF-style: chr12-7190395-G-A. GRCh37 (hg19) VCF-style: chr12-7342991-G-A.
Other names: c.18G>A, p.Leu6= (NM_000319.5, NM_001131023.2, NM_001131024.2 and 22 more transcripts).
Identifiers: ClinVar variation 3045375 (VCV003045375.2), dbSNP rs755708021, ClinGen allele CA6425975.